The following is an entry in ClinVar:

ClinVar aggregate classification (germline): Uncertain significance (1 of 4 stars; one submission).

Submission:

ISCA site 4
Classification: Uncertain significance. Last evaluated: 2011-08-12. Review status: criteria provided, single submitter. Criteria: Kaminsky et al. (Genet Med. 2011). Collection method: clinical testing. Allele origin: unknown. Affected: yes. Observed: 1 variant allele.
Comment: Copy number variation identified through the course of routine clinical cytogenomic testing in postnatal populations. Clinical assertions have been curated as described in Kaminsky et al. 2011.

GRCh38/hg38 7q11.22(chr7:70244387-70509722)x3

Genes: AUTS2 (activator of transcription and developmental regulator AUTS2; plus strand), LOC110121299 (VISTA enhancer hs2317; plus strand), LOC110121300 (VISTA enhancer hs2318; plus strand), LOC126860068 (CDK7 strongly-dependent group 2 enhancer GRCh37_chr7:69969942-69971141; plus strand), LOC129998558 (ATAC-STARR-seq lymphoblastoid active region 26108; plus strand) and 1 more. Cytogenetic location: 7q11.22.
Variant type: copy number gain.
Change: copy number 3 (three copies instead of two) of chr7:70,244,387-70,509,722 (265.3 kb, GRCh38 coordinates, 1-based), cytogenetic band 7q11.22.
Identifiers: ClinVar variation 57421 (VCV000057421.1).